The following is an entry in ClinVar:

NM_015506.3(MMACHC):c.641G>A (p.Arg214His)

Genes: MMACHC (metabolism of cobalamin associated C; plus strand), LOC129930446 (ATAC-STARR-seq lymphoblastoid active region 972; plus strand). Cytogenetic location: 1p34.1.
Variant type: single nucleotide variant.
Coding change: c.641G>A on transcript NM_015506.3 (MANE Select); coding-DNA position 641, G replaced by A.
Protein change: p.Arg214His; replaces arginine 214 with histidine.
Molecular consequence: missense variant.
Genome position (GRCh38, 1-based): chr1:45,509,007, G>A. VCF-style: chr1-45509007-G-A. GRCh37 (hg19) VCF-style: chr1-45974679-G-A.
Other names: c.470G>A, p.Arg157His (NM_001330540.2); short protein forms R214H, R157H.
Identifiers: ClinVar variation 496435 (VCV000496435.12), dbSNP rs202189863, ClinGen allele CA827818.

ClinVar aggregate classification (germline): Uncertain significance. Review status: criteria provided, multiple submitters, no conflicts (2 of 4 stars). 8 submissions from 8 submitters: Uncertain significance (7). 1 of the submissions does not count toward it. Last evaluated 2024-10-24.

Conditions:
Cobalamin C disease. Also called: Methylmalonic aciduria and homocystinuria, Vitamin B12-responsive; Vitamin B12 metabolic defect with combined deficiency of methylmalonyl-CoA mutase and homocysteine:methyltetrahydrofolate methyltransferase; methylmalonic aciduria and homocystinuria type cblC; Methylmalonic aciduria with homocystinuria cblC type; Cobalamin-C methylmalonic acidemia and homocystinuria; Methylmalonic acidemia and homocystinuria cblC type. Identifiers: Orphanet 26, Orphanet 79282, MedGen C1848561, MONDO:0010184, OMIM 277400.
Disorders of Intracellular Cobalamin Metabolism. Identifiers: MedGen CN043592.

Allele frequency attached by ClinVar (database versions not stated): gnomAD 0.00010 and 0.00011; TOPMed 0.00013; ExAC 0.00014; gnomAD exomes 0.00016 and 0.00024.
gnomAD v4.1: 370 of 1,614,138 alleles (0.023%); highest among the groups gnomAD compares: Middle Eastern, 0.13%; 1 homozygote.

Submissions (8):

Blueprint Genetics
Classification: Uncertain significance. Last evaluated: 2024-10-24. Review status: criteria provided, single submitter. Criteria: ACMG Guidelines, 2015. Collection method: clinical testing. Allele origin: germline.

Genome-Nilou Lab
Classification: Uncertain significance for Cobalamin C disease. Last evaluated: 2023-04-11. Review status: criteria provided, single submitter. Criteria: ACMG Guidelines, 2015. Collection method: clinical testing. Allele origin: germline. Affected: no.

ARUP Laboratories, Molecular Genetics and Genomics, ARUP Laboratories
Classification: Uncertain significance for Cobalamin C disease. Last evaluated: 2022-10-19. Review status: criteria provided, single submitter. Criteria: ARUP Molecular Germline Variant Investigation Process 2021. Collection method: clinical testing. Allele origin: germline.
Comment: The MMACHC c.641G>A; p.Arg214His variant (rs202189863), to our knowledge, is not reported in the medical literature but is reported in ClinVar (Variation ID: 496435). This variant is found in the general population with an overall allele frequency of 0.016% (44/280864 alleles) in the Genome Aggregation Database. The arginine at codon 214 is highly conserved, and computational analyses are uncertain whether this variant is neutral or deleterious (REVEL: 0.460). Due to limited information, the clinical significance of this variant is uncertain at this time.

Labcorp Genetics (formerly Invitae), Labcorp
Classification: Uncertain significance for Cobalamin C disease. Last evaluated: 2022-06-17. Review status: criteria provided, single submitter. Criteria: Invitae Variant Classification Sherloc (09022015). Collection method: clinical testing. Allele origin: germline.
Comment: This sequence change replaces arginine, which is basic and polar, with histidine, which is basic and polar, at codon 214 of the MMACHC protein (p.Arg214His). This variant is present in population databases (rs202189863, gnomAD 0.03%). This variant has not been reported in the literature in individuals affected with MMACHC-related conditions. ClinVar contains an entry for this variant (Variation ID: 496435). Algorithms developed to predict the effect of missense changes on protein structure and function are either unavailable or do not agree on the potential impact of this missense change (SIFT: "Deleterious"; PolyPhen-2: "Benign"; Align-GVGD: "Class C0"). In summary, the available evidence is currently insufficient to determine the role of this variant in disease. Therefore, it has been classified as a Variant of Uncertain Significance.

Fulgent Genetics
Classification: Uncertain significance for Cobalamin C disease. Last evaluated: 2021-07-06. Review status: criteria provided, single submitter. Criteria: ACMG Guidelines, 2015. Collection method: clinical testing. Allele origin: unknown.

Illumina Laboratory Services, Illumina
Classification: Uncertain significance for Disorders of Intracellular Cobalamin Metabolism. Last evaluated: 2018-01-13. Review status: criteria provided, single submitter. Criteria: ICSL Variant Classification Criteria 13 December 2019. Collection method: clinical testing. Allele origin: germline.

Women's Health and Genetics/Laboratory Corporation of America, LabCorp
Classification: Uncertain significance. Last evaluated: 2016-01-25. Review status: criteria provided, single submitter. Criteria: LabCorp Variant Classification Summary - May 2015. Collection method: clinical testing. Allele origin: germline.
Comment: Variant summary: The c.641G>A variant affects a conserved nucleotide, resulting in amino acid change from Arg to His. 3/4 in-silico tools predict this variant to be damaging (SNPs&GO not captured due to low reliability index). 5/5 programs in Alamut predict that this variant does not affect normal splicing. This variant is found in 17/120988 control chromosomes at a frequency of 0.0001405, which does not significantly exceed maximal expected frequency of a pathogenic allele (0.0030542). The variant of interest has not, to our knowledge, been reported in affected individuals via publications and/or reputable databases/clinical laboratories; nor evaluated for functional impact by in vivo/vitro studies. Because of the absence of clinical information and the lack of functional studies, the variant was classified as a variant of uncertain significance (VUS) until additional information becomes available.

Natera, Inc.
Classification: Uncertain significance for Methylmalonic aciduria and homocystinuria cblC type. Last evaluated: 2018-03-26. Review status: no assertion criteria provided. Collection method: clinical testing. Allele origin: germline. Not counted in ClinVar's aggregate classification.

Literature cited by the submitters: PubMed 25668207 (cited by Women's Health and Genetics/Laboratory Corporation of America, LabCorp).